The following is an entry in ClinVar:

ClinVar aggregate classification (germline): Uncertain significance (1 of 4 stars; one submission).

Submission:

GeneDx
Classification: Uncertain significance. Last evaluated: 2024-11-05. Review status: criteria provided, single submitter. Criteria: GeneDx Variant Classification Process June 2021. Collection method: clinical testing. Allele origin: germline. Affected: yes.
Comment: Not observed at significant frequency in large population cohorts (gnomAD); In silico analysis supports that this missense variant has a deleterious effect on protein structure/function; Has not been previously published as pathogenic or benign to our knowledge

NM_001103.4(ACTN2):c.785C>A (p.Ala262Asp)

Gene: ACTN2 (actinin alpha 2; plus strand). Cytogenetic location: 1q43.
Variant type: single nucleotide variant.
Coding change: c.785C>A on transcript NM_001103.4 (MANE Select); coding-DNA position 785, C replaced by A.
Protein change: p.Ala262Asp; replaces alanine 262 with aspartic acid.
Molecular consequence: missense variant. On other transcripts: non-coding transcript variant (1).
Genome position (GRCh38, 1-based): chr1:236,737,123, C>A. VCF-style: chr1-236737123-C-A. GRCh37 (hg19) VCF-style: chr1-236900423-C-A.
Other names: c.785C>A, p.Ala262Asp (NM_001278343.2); short protein forms A262D.
Identifiers: ClinVar variation 3897160 (VCV003897160.1).
Genomic context (GRCh38, chr1:236,737,123, plus strand): 5'-TGCTGTGTGTGCGCATTCCCGTCGACAGAGCCGTCCTGTTTACCTATTGTGTTTTACAGG[C>A]CGAGACAGCGGCTAACAGGATATGTAAGGTTCTTGCTGTGAATCAAGAGAATGAGAGGCT-3'
Protein context (NP_001094.1, residues 252-272): FYHAFAGAEQ[Ala262Asp]ETAANRICKV